The following is an entry in ClinVar:

NM_014669.5(NUP93):c.1343A>G (p.Tyr448Cys)

Gene: NUP93 (nucleoporin 93; plus strand). Cytogenetic location: 16q13.
Variant type: single nucleotide variant.
Coding change: c.1343A>G on transcript NM_014669.5 (MANE Select); coding-DNA position 1343, A replaced by G.
Protein change: p.Tyr448Cys; replaces tyrosine 448 with cysteine.
Molecular consequence: missense variant.
Genome position (GRCh38, 1-based): chr16:56,832,386, A>G. VCF-style: chr16-56832386-A-G. GRCh37 (hg19) VCF-style: chr16-56866298-A-G.
Other names: c.974A>G, p.Tyr325Cys (NM_001242795.2, NM_001242796.2); short protein forms Y325C, Y448C.
Identifiers: ClinVar variation 2634422 (VCV002634422.1), dbSNP rs377320182, ClinGen allele CA8068388.

ClinVar aggregate classification (germline): Uncertain significance (1 of 4 stars; one submission).

Conditions:
NUP93-related disorder. Also called: NUP93-related condition.

Allele frequency attached by ClinVar (database versions not stated): ExAC 0.00001; gnomAD 0.00002; TOPMed 0.00003; ESP Exome Variant Server 0.00008.
gnomAD v4.1: 48 of 1,611,800 alleles (0.003%); highest among the groups gnomAD compares: Non-Finnish European, 0.0038%; no homozygotes.

Submission:

PreventionGenetics, part of Exact Sciences
Classification: Uncertain significance for NUP93-related condition. Last evaluated: 2022-11-14. Review status: criteria provided, single submitter. Criteria: ACMG Guidelines, 2015. Collection method: clinical testing. Allele origin: germline.
Comment: The NUP93 c.1343A>G variant is predicted to result in the amino acid substitution p.Tyr448Cys. To our knowledge, this variant has not been reported in the literature. This variant is reported in 0.0080% of alleles in individuals of African descent in gnomAD. At this time, the clinical significance of this variant is uncertain due to the absence of conclusive functional and genetic evidence.